The following is an entry in ClinVar:

ClinVar aggregate classification (germline): Uncertain significance. Review status: criteria provided, multiple submitters, no conflicts (2 of 4 stars). 3 submissions from 3 submitters: Uncertain significance (3). Last evaluated 2026-04-14.

Conditions:
Inborn genetic diseases. Identifiers: MedGen C0950123, MeSH D030342.
Autosomal recessive hypophosphatemic bone disease (HHRH). Also called: HYPERCALCIURIC RICKETS; Hypophosphatemic rickets with hypercalciuria. Identifiers: Orphanet 157215, MedGen C1853271, MONDO:0009431, OMIM 241530.

Allele frequency attached by ClinVar (database versions not stated): gnomAD exomes 0.00002 and 0.00004; gnomAD 0.00003; ExAC 0.00005; TOPMed 0.00003.
gnomAD v4.1: 57 of 1,612,480 alleles (0.0035%); highest among the groups gnomAD compares: East Asian, 0.0067%; no homozygotes.

Submissions (3):

Ambry Genetics
Classification: Uncertain significance for Inborn genetic diseases. Last evaluated: 2026-04-14. Review status: criteria provided, single submitter. Criteria: Ambry Variant Classification Scheme 2023. Collection method: clinical testing. Allele origin: germline.
Comment: The c.1432G>A (p.G478R) alteration is located in exon 13 (coding exon 12) of the SLC34A3 gene. This alteration results from a G to A substitution at nucleotide position 1432, causing the glycine (G) at amino acid position 478 to be replaced by an arginine (R). Based on data from gnomAD, the A allele has an overall frequency of 0.002% (6/246468) total alleles studied. The highest observed frequency was 0.005% (5/109722) of European (non-Finnish) alleles. Based on insufficient or conflicting evidence, the clinical significance of this alteration remains unclear.

Labcorp Genetics (formerly Invitae), Labcorp
Classification: Uncertain significance. Last evaluated: 2022-05-25. Review status: criteria provided, single submitter. Criteria: Invitae Variant Classification Sherloc (09022015). Collection method: clinical testing. Allele origin: germline.
Comment: This sequence change replaces glycine, which is neutral and non-polar, with arginine, which is basic and polar, at codon 478 of the SLC34A3 protein (p.Gly478Arg). This variant is present in population databases (rs758689905, gnomAD 0.006%). This variant has not been reported in the literature in individuals affected with SLC34A3-related conditions. Algorithms developed to predict the effect of missense changes on protein structure and function (SIFT, PolyPhen-2, Align-GVGD) all suggest that this variant is likely to be disruptive. In summary, the available evidence is currently insufficient to determine the role of this variant in disease. Therefore, it has been classified as a Variant of Uncertain Significance.

Fulgent Genetics
Classification: Uncertain significance for Autosomal recessive hypophosphatemic bone disease. Last evaluated: 2022-02-25. Review status: criteria provided, single submitter. Criteria: ACMG Guidelines, 2015. Collection method: clinical testing. Allele origin: unknown.

NM_001177316.2(SLC34A3):c.1432G>A (p.Gly478Arg)

Gene: SLC34A3 (solute carrier family 34 member 3; plus strand). Cytogenetic location: 9q34.3.
Variant type: single nucleotide variant.
Coding change: c.1432G>A on transcript NM_001177316.2 (MANE Select); coding-DNA position 1432, G replaced by A.
Protein change: p.Gly478Arg; replaces glycine 478 with arginine.
Molecular consequence: missense variant.
Genome position (GRCh38, 1-based): chr9:137,236,048, G>A. VCF-style: chr9-137236048-G-A. GRCh37 (hg19) VCF-style: chr9-140130500-G-A.
Other names: c.1432G>A, p.Gly478Arg (NM_001177317.2, NM_080877.3); short protein forms G478R.
Identifiers: ClinVar variation 1393795 (VCV001393795.8), dbSNP rs758689905, ClinGen allele CA5364946.